The following is an entry in ClinVar:

NM_207346.3(TSEN54):c.692del (p.Pro231fs)

Gene: TSEN54 (tRNA splicing endonuclease subunit 54; plus strand). Cytogenetic location: 17q25.1.
Variant type: Deletion.
Coding change: c.692del on transcript NM_207346.3 (MANE Select); coding-DNA position 692, one base deleted (C; older notation c.692delC).
Protein change: p.Pro231fs; shifts the reading frame from proline 231.
Molecular consequence: frameshift variant.
Genome position (GRCh38, 1-based): chr17:75,521,773, C deleted; the last of 3 consecutive C bases (chr17:75,521,771-75,521,773); deleting any one gives the same sequence. VCF-style (leftmost placement, unchanged base first): chr17-75521770-GC-G. GRCh37 (hg19) VCF-style: chr17-73517851-GC-G.
Other names: short protein forms P231fs.
Identifiers: ClinVar variation 2735393 (VCV002735393.3), dbSNP rs2546156657, ClinGen allele CA2697555126.

ClinVar aggregate classification (germline): Pathogenic (1 of 4 stars; one submission).

Submission:

Labcorp Genetics (formerly Invitae), Labcorp
Classification: Pathogenic. Last evaluated: 2023-11-06. Review status: criteria provided, single submitter. Criteria: Invitae Variant Classification Sherloc (09022015). Collection method: clinical testing. Allele origin: germline.
Comment: This sequence change creates a premature translational stop signal (p.Pro231Hisfs*21) in the TSEN54 gene. It is expected to result in an absent or disrupted protein product. Loss-of-function variants in TSEN54 are known to be pathogenic (PMID: 18711368, 20952379). This variant is not present in population databases (gnomAD no frequency). This variant has not been reported in the literature in individuals affected with TSEN54-related conditions. For these reasons, this variant has been classified as Pathogenic.

Literature cited by the submitters: PubMed 18711368; PubMed 20952379.